The following is an entry in ClinVar:

NM_001365276.2(TNXB):c.11629G>A (p.Val3877Ile)

Genes: TNXB (tenascin XB; minus strand), LOC106780803 (tenascin XB recombination region; plus strand). Cytogenetic location: 6p21.33.
Variant type: single nucleotide variant.
Coding change: c.11629G>A on transcript NM_001365276.2 (MANE Select); coding-DNA position 11629, G replaced by A.
Protein change: p.Val3877Ile; replaces valine 3877 with isoleucine.
Molecular consequence: missense variant.
Genome position (GRCh38, 1-based): chr6:32,043,458, C>T on the plus strand (G>A on the coding strand, the complement: TNXB is on the minus strand). VCF-style: chr6-32043458-C-T. GRCh37 (hg19) VCF-style: chr6-32011235-C-T.
Other names: c.11623G>A, p.Val3875Ile (NM_019105.8); c.916G>A, p.Val306Ile (NM_032470.4); short protein forms V306I, V3875I, V3877I.
Identifiers: ClinVar variation 261114 (VCV000261114.7), dbSNP rs2856453, ClinGen allele CA3732918.

ClinVar aggregate classification (germline): Benign. Review status: criteria provided, multiple submitters, no conflicts (2 of 4 stars). 4 submissions from 4 submitters: Benign (4). Last evaluated 2024-11-27.

Allele frequency attached by ClinVar (database versions not stated): gnomAD 0.46361 and 0.46743; TOPMed 0.50125; 1000 Genomes Project 30x 0.50843; gnomAD exomes 0.51152 and 0.51613; 1000 Genomes Project 0.51338; ExAC 0.57758.
gnomAD v4.1: 288,772 of 569,990 alleles (51%); highest among the groups gnomAD compares: Middle Eastern, 61%; 75,444 homozygotes.

Submissions (4):

Blueprint Genetics
Classification: Benign. Last evaluated: 2024-11-27. Review status: criteria provided, single submitter. Criteria: ACMG Guidelines, 2015. Collection method: clinical testing. Allele origin: germline.

Mayo Clinic Laboratories, Mayo Clinic
Classification: Benign. Last evaluated: 2022-04-26. Review status: criteria provided, single submitter. Criteria: ACMG Guidelines, 2015. Collection method: clinical testing. Allele origin: germline. Observed: 2,312 variant alleles.

Laboratory for Molecular Medicine, Mass General Brigham Personalized Medicine
Classification: Benign. Last evaluated: 2016-03-29. Review status: criteria provided, single submitter. Criteria: LMM Criteria. Collection method: clinical testing. Allele origin: germline.
Comment: Variant identified in a genome or exome case(s) and assessed due to predicted null impact of the variant or pathogenic assertions in the literature or databases. Disclaimer: This variant has not undergone full assessment. The following are preliminary notes: Frequency

PreventionGenetics, part of Exact Sciences
Classification: Benign. Review status: criteria provided, single submitter. Criteria: ACMG Guidelines, 2015. Collection method: clinical testing. Allele origin: germline.